The following is an entry in ClinVar:

ClinVar aggregate classification (germline): Conflicting classifications of pathogenicity. Review status: criteria provided, conflicting classifications (1 of 4 stars). 2 submissions from 2 submitters: Uncertain significance (1); Benign (1). Last evaluated 2024-10-04.

Conditions:
Primary pulmonary hypertension. Also called: Idiopathic pulmonary hypertension. Identifiers: MedGen C0152171.
Inborn genetic diseases. Identifiers: MedGen C0950123, MeSH D030342.

gnomAD v4.1: 19 of 1,613,660 alleles (0.0012%); highest among the groups gnomAD compares: South Asian, 0.0099%; no homozygotes.

Submissions (2):

Ambry Genetics
Classification: Uncertain significance for Inborn genetic diseases. Last evaluated: 2024-10-04. Review status: criteria provided, single submitter. Criteria: Ambry Variant Classification Scheme 2023. Collection method: clinical testing. Allele origin: germline.
Comment: The p.T346S variant (also known as c.1037C>G), located in coding exon 8 of the BMPR2 gene, results from a C to G substitution at nucleotide position 1037. The threonine at codon 346 is replaced by serine, an amino acid with similar properties. This amino acid position is conserved. In addition, this alteration is predicted to be tolerated by in silico analysis. Based on the available evidence, the clinical significance of this variant remains unclear.

Labcorp Genetics (formerly Invitae), Labcorp
Classification: Benign for Primary pulmonary hypertension. Last evaluated: 2023-09-01. Review status: criteria provided, single submitter. Criteria: Invitae Variant Classification Sherloc (09022015). Collection method: clinical testing. Allele origin: germline.

NM_001204.7(BMPR2):c.1037C>G (p.Thr346Ser)

Gene: BMPR2 (bone morphogenetic protein receptor type 2; plus strand). Cytogenetic location: 2q33.2.
Variant type: single nucleotide variant.
Coding change: c.1037C>G on transcript NM_001204.7 (MANE Select); coding-DNA position 1037, C replaced by G.
Protein change: p.Thr346Ser; replaces threonine 346 with serine.
Molecular consequence: missense variant.
Genome position (GRCh38, 1-based): chr2:202,530,863, C>G. VCF-style: chr2-202530863-C-G. GRCh37 (hg19) VCF-style: chr2-203395586-C-G.
Other names: short protein forms T346S.
Identifiers: ClinVar variation 2917410 (VCV002917410.4), dbSNP rs757926043, ClinGen allele CA2061281.